The following is an entry in ClinVar:

NM_000262.3(NAGA):c.*1103T>C

Gene: NAGA (alpha-N-acetylgalactosaminidase; minus strand). Cytogenetic location: 22q13.2.
Variant type: single nucleotide variant.
Coding change: c.*1103T>C on transcript NM_000262.3 (MANE Select); 1103 bases downstream of the stop codon, T replaced by C.
Molecular consequence: 3 prime UTR variant.
Genome position (GRCh38, 1-based): chr22:42,059,176, A>G on the plus strand (T>C on the coding strand, the complement: NAGA is on the minus strand). VCF-style: chr22-42059176-A-G. GRCh37 (hg19) VCF-style: chr22-42455180-A-G.
Other names: c.*1103T>C (NM_001362848.1, NM_001362850.1).
Identifiers: ClinVar variation 901483 (VCV000901483.5), dbSNP rs117826003, ClinGen allele CA15998579.

ClinVar aggregate classification (germline): Benign. Review status: criteria provided, multiple submitters, no conflicts (2 of 4 stars). 3 submissions from 2 submitters: Benign (3). Last evaluated 2018-01-13.

Conditions:
Alpha-N-acetylgalactosaminidase deficiency type 1. Also called: SCHINDLER DISEASE, TYPE I; ALPHA-N-ACETYLGALACTOSAMINIDASE DEFICIENCY, TYPE I; NAGA DEFICIENCY, TYPE I; NEUROAXONAL DYSTROPHY, SCHINDLER TYPE. Identifiers: Orphanet 3137, Orphanet 79279, Orphanet 79281, MedGen C1836544, MONDO:0012221, OMIM 609241.
Alpha-N-acetylgalactosaminidase deficiency type 2. Also called: ALPHA-N-ACETYLGALACTOSAMINIDASE DEFICIENCY, TYPE II; NAGA DEFICIENCY, TYPE II; SCHINDLER DISEASE, TYPE II. Identifiers: Orphanet 3137, Orphanet 79280, MedGen C1836522, MONDO:0012222, OMIM 609242.

Allele frequency attached by ClinVar (database versions not stated): 1000 Genomes Project 0.00679; 1000 Genomes Project 30x 0.00734; gnomAD 0.01303 and 0.01315; TOPMed 0.01326; gnomAD exomes 0.03333.
gnomAD v4.1: 1,985 of 152,296 alleles (1.3%); highest among the groups gnomAD compares: Non-Finnish European, 2.1%; 17 homozygotes.

Submissions (3):

Illumina Laboratory Services, Illumina
Classification: Benign for Alpha-N-acetylgalactosaminidase deficiency type 2. Last evaluated: 2018-01-13. Review status: criteria provided, single submitter. Criteria: ICSL Variant Classification Criteria 13 December 2019. Collection method: clinical testing. Allele origin: germline.
Comment: This variant was observed in the ICSL laboratory as part of a predisposition screen in an ostensibly healthy population. It had not been previously curated by ICSL or reported in the Human Gene Mutation Database (HGMD: prior to June 1st, 2018), and was therefore a candidate for classification through an automated scoring system. Utilizing variant allele frequency, disease prevalence and penetrance estimates, and inheritance mode, an automated score was calculated to assess if this variant is too frequent to cause the disease. Based on the score and internal cut-off values, a variant classified as benign is not then subjected to further curation. The score for this variant resulted in a classification of benign for this disease.

Illumina Laboratory Services, Illumina
Classification: Benign for Alpha-N-acetylgalactosaminidase deficiency type 1. Last evaluated: 2018-01-13. Review status: criteria provided, single submitter. Criteria: ICSL Variant Classification Criteria 13 December 2019. Collection method: clinical testing. Allele origin: germline.
Comment: the same text as in the submission from Illumina Laboratory Services, Illumina above.

Breakthrough Genomics
Classification: Benign. Review status: criteria provided, single submitter. Criteria: ACMG Guidelines, 2015. Collection method: not provided. Allele origin: germline. Inheritance: Autosomal recessive inheritance. Affected: yes.